The following is an entry in ClinVar:

NM_002354.3(EPCAM):c.826G>C (p.Val276Leu)

Gene: EPCAM (epithelial cell adhesion molecule; plus strand). Cytogenetic location: 2p21.
Variant type: single nucleotide variant.
Coding change: c.826G>C on transcript NM_002354.3 (MANE Select); coding-DNA position 826, G replaced by C.
Protein change: p.Val276Leu; replaces valine 276 with leucine.
Molecular consequence: missense variant.
Genome position (GRCh38, 1-based): chr2:47,379,937, G>C. VCF-style: chr2-47379937-G-C. GRCh37 (hg19) VCF-style: chr2-47607076-G-C.
Other names: short protein forms V276L.
Identifiers: ClinVar variation 3509158 (VCV003509158.1).

ClinVar aggregate classification (germline): Uncertain significance (1 of 4 stars; one submission).

Conditions:
Hereditary cancer-predisposing syndrome. Also called: Tumor predisposition; Neoplastic Syndromes, Hereditary; Hereditary Cancer Syndrome; Hereditary neoplastic syndrome. Identifiers: Orphanet 140162, MedGen C0027672, MeSH D009386, MONDO:0015356.

Submission:

Ambry Genetics
Classification: Uncertain significance for Hereditary cancer-predisposing syndrome. Last evaluated: 2024-09-30. Review status: criteria provided, single submitter. Criteria: Ambry Variant Classification Scheme 2023. Collection method: clinical testing. Allele origin: germline.
Comment: The p.V276L variant (also known as c.826G>C), located in coding exon 7 of the EPCAM gene, results from a G to C substitution at nucleotide position 826. The valine at codon 276 is replaced by leucine, an amino acid with highly similar properties. This amino acid position is conserved. In addition, this alteration is predicted to be tolerated by in silico analysis. Based on the available evidence, the clinical significance of this variant remains unclear.